The following is an entry in ClinVar:

NM_172107.4(KCNQ2):c.-46C>G

Gene: KCNQ2 (potassium voltage-gated channel subfamily Q member 2; minus strand). Cytogenetic location: 20q13.33.
Variant type: single nucleotide variant.
Coding change: c.-46C>G on transcript NM_172107.4 (MANE Select); 46 bases upstream of the start codon, C replaced by G.
Molecular consequence: 5 prime UTR variant.
Genome position (GRCh38, 1-based): chr20:63,472,509, G>C on the plus strand (C>G on the coding strand, the complement: KCNQ2 is on the minus strand). VCF-style: chr20-63472509-G-C. GRCh37 (hg19) VCF-style: chr20-62103862-G-C.
Other names: c.-46C>G (NM_004518.6, NM_172106.3, NM_172108.5 and 1 more transcripts).
Identifiers: ClinVar variation 205854 (VCV000205854.1), dbSNP rs572005014, ClinGen allele CA315330.

ClinVar aggregate classification (germline): Benign (1 of 4 stars; one submission).

Allele frequency attached by ClinVar (database versions not stated): TOPMed 0.00003; gnomAD 0.00006; gnomAD exomes 0.00006; 1000 Genomes Project 30x 0.00016; ExAC 0.00017; 1000 Genomes Project 0.00020.
gnomAD v4.1: 111 of 1,375,416 alleles (0.0081%); highest among the groups gnomAD compares: Middle Eastern, 0.1%; no homozygotes.

Submission:

GeneDx
Classification: Benign. Last evaluated: 2014-10-31. Review status: criteria provided, single submitter. Criteria: GeneDx Variant Classification (06012015). Collection method: clinical testing. Allele origin: germline. Affected: yes.
Comment: This variant is considered likely benign or benign based on one or more of the following criteria: it is a conservative change, it occurs at a poorly conserved position in the protein, it is predicted to be benign by multiple in silico algorithms, and/or has population frequency not consistent with disease.